The following is an entry in ClinVar:

NM_004260.4(RECQL4):c.1158A>C (p.Lys386Asn)

Gene: RECQL4 (RecQ like helicase 4; minus strand). Cytogenetic location: 8q24.3.
Variant type: single nucleotide variant.
Coding change: c.1158A>C on transcript NM_004260.4 (MANE Select); coding-DNA position 1158, A replaced by C.
Protein change: p.Lys386Asn; replaces lysine 386 with asparagine.
Molecular consequence: missense variant. On other transcripts: synonymous variant (5), non-coding transcript variant (3), intron variant (1).
Genome position (GRCh38, 1-based): chr8:144,515,864, T>G on the plus strand (A>C on the coding strand, the complement: RECQL4 is on the minus strand). VCF-style: chr8-144515864-T-G. GRCh37 (hg19) VCF-style: chr8-145741248-T-G.
Other names: c.1158A>C, p.Lys386Asn (NM_001413018.1, NM_001413019.1, NM_001413033.1 and 2 more transcripts); c.1062A>C, p.Lys354Asn (NM_001413020.1, NM_001413017.1); c.87A>C, p.Lys29Asn (NM_001413021.1, NM_001413022.1, NM_001413023.1 and 8 more transcripts); c.1029A>C, p.Lys343Asn (NM_001413025.1); c.25A>C, p.Arg9= (NM_001413027.1, NM_001413030.1, NM_001413031.1 and 2 more transcripts); c.807A>C, p.Lys269Asn (NM_001413029.1); c.-210+124A>C (NM_001413043.1); short protein forms K386N, K29N, K354N, K269N, K343N.
Identifiers: ClinVar variation 4844365 (VCV004844365.1).
Genomic context (GRCh38, chr8:144,515,864, plus strand): 5'-GTTCAGGAAACAAGACTCCTTGGTTGTGACTGTGGCACCACCACCCCCAAAACACTCCCC[T>G]TTCTTCCGCCACTTCTGCTTCCATGCCTGGGGGGTGCCCACATAGGAGGGTCACTGGGCG-3'
Protein context (NP_004251.4, residues 376-396): KQAWKQKWRK[Lys386Asn]GECFGGGGAT

ClinVar aggregate classification (germline): Uncertain significance (1 of 4 stars; one submission).

Conditions:
Inborn genetic diseases. Identifiers: MedGen C0950123, MeSH D030342.

Submission:

Ambry Genetics
Classification: Uncertain significance for Inborn genetic diseases. Last evaluated: 2026-02-18. Review status: criteria provided, single submitter. Criteria: Ambry Variant Classification Scheme 2023. Collection method: clinical testing. Allele origin: germline.
Comment: The p.K386N variant (also known as c.1158A>C), located in coding exon 6 of the RECQL4 gene, results from an A to C substitution at nucleotide position 1158. The lysine at codon 386 is replaced by asparagine, an amino acid with similar properties. This amino acid position is conserved. In addition, this alteration is predicted to be tolerated by in silico analysis. Based on the available evidence, the clinical significance of this variant remains unclear.